The following is an entry in ClinVar:

ClinVar aggregate classification (germline): Likely benign. Review status: criteria provided, single submitter (1 of 4 stars). 2 submissions from 2 submitters: Likely benign (1). 1 of the submissions does not count toward it. Last evaluated 2025-06-12.

Conditions:
PDSS2-related disorder. Also called: PDSS2-related condition.

Allele frequency attached by ClinVar (database versions not stated): gnomAD 0.00003; gnomAD exomes 0.00003; TOPMed 0.00003.
gnomAD v4.1: 42 of 1,496,040 alleles (0.0028%); highest among the groups gnomAD compares: Non-Finnish European, 0.0039%; no homozygotes.

Submissions (2):

Labcorp Genetics (formerly Invitae), Labcorp
Classification: Likely benign. Last evaluated: 2025-06-12. Review status: criteria provided, single submitter. Criteria: Invitae Variant Classification Sherloc (09022015). Collection method: clinical testing. Allele origin: germline.

PreventionGenetics, part of Exact Sciences
Classification: Likely benign for PDSS2-related condition. Last evaluated: 2021-09-20. Review status: no assertion criteria provided. Collection method: clinical testing. Allele origin: germline. Not counted in ClinVar's aggregate classification.
Comment: This variant is classified as likely benign based on ACMG/AMP sequence variant interpretation guidelines (Richards et al. 2015 PMID: 25741868, with internal and published modifications).

NM_020381.4(PDSS2):c.702+9T>C

Gene: PDSS2 (decaprenyl diphosphate synthase subunit 2; minus strand). Cytogenetic location: 6q21.
Variant type: single nucleotide variant.
Coding change: c.702+9T>C on transcript NM_020381.4 (MANE Select); 9 bases into the intron after coding-DNA position 702, T replaced by C.
Molecular consequence: intron variant.
Genome position (GRCh38, 1-based): chr6:107,245,539, A>G on the plus strand (T>C on the coding strand, the complement: PDSS2 is on the minus strand). VCF-style: chr6-107245539-A-G. GRCh37 (hg19) VCF-style: chr6-107566743-A-G.
Other names: c.702+9T>C (NM_020381.3).
Identifiers: ClinVar variation 2170159 (VCV002170159.6), dbSNP rs528782732, ClinGen allele CA145601465.